The following is an entry in ClinVar:

NM_032538.3(TTBK1):c.2820C>T (p.Asn940=)

Gene: TTBK1 (tau tubulin kinase 1; plus strand). Cytogenetic location: 6p21.1.
Variant type: single nucleotide variant.
Coding change: c.2820C>T on transcript NM_032538.3 (MANE Select); coding-DNA position 2820, C replaced by T.
Protein change: p.Asn940=; no amino-acid change (asparagine 940 retained).
Molecular consequence: synonymous variant.
Genome position (GRCh38, 1-based): chr6:43,283,560, C>T. VCF-style: chr6-43283560-C-T. GRCh37 (hg19) VCF-style: chr6-43251298-C-T.
Identifiers: ClinVar variation 781631 (VCV000781631.27), dbSNP rs55950221, ClinGen allele CA3819932.

ClinVar aggregate classification (germline): Benign/Likely benign. Review status: criteria provided, multiple submitters, no conflicts (2 of 4 stars). 2 submissions from 2 submitters: Benign (1); Likely benign (1). Last evaluated 2023-01-01.

Allele frequency attached by ClinVar (database versions not stated): 1000 Genomes Project 0.00539; 1000 Genomes Project 30x 0.00562; TOPMed 0.00659; ExAC 0.00711; gnomAD exomes 0.00730 and 0.00894; gnomAD 0.00755; ESP Exome Variant Server 0.00815.
gnomAD v4.1: 14,138 of 1,614,160 alleles (0.88%); highest among the groups gnomAD compares: Middle Eastern, 1.1%; 77 homozygotes.

Submissions (2):

CeGaT Center for Human Genetics Tuebingen
Classification: Likely benign. Last evaluated: 2023-01-01. Review status: criteria provided, single submitter. Criteria: CeGaT Center For Human Genetics Tuebingen Variant Classification Criteria Version 2. Collection method: clinical testing. Allele origin: germline. Affected: yes. Observed: 2 variant alleles.
Comment: TTBK1: BP4, BP7, BS2

Labcorp Genetics (formerly Invitae), Labcorp
Classification: Benign. Last evaluated: 2018-07-13. Review status: criteria provided, single submitter. Criteria: Invitae Variant Classification Sherloc (09022015). Collection method: clinical testing. Allele origin: germline.